The following is an entry in ClinVar:

NM_001849.4(COL6A2):c.759A>C (p.Glu253Asp)

Gene: COL6A2 (collagen type VI alpha 2 chain; plus strand). Cytogenetic location: 21q22.3.
Variant type: single nucleotide variant.
Coding change: c.759A>C on transcript NM_001849.4 (MANE Select); coding-DNA position 759, A replaced by C.
Protein change: p.Glu253Asp; replaces glutamic acid 253 with aspartic acid.
Molecular consequence: missense variant.
Genome position (GRCh38, 1-based): chr21:46,114,031, A>C. VCF-style: chr21-46114031-A-C. GRCh37 (hg19) VCF-style: chr21-47533945-A-C.
Other names: c.759A>C, p.Glu253Asp (NM_058174.3, NM_058175.3); short protein forms E253D.
Identifiers: ClinVar variation 2766555 (VCV002766555.4), dbSNP rs140404854, ClinGen allele CA410523459.

ClinVar aggregate classification (germline): Uncertain significance. Review status: criteria provided, multiple submitters, no conflicts (2 of 4 stars). 2 submissions from 2 submitters: Uncertain significance (2). Last evaluated 2026-05-27.

Conditions:
Inborn genetic diseases. Identifiers: MedGen C0950123, MeSH D030342.
Bethlem myopathy 1A. Also called: Bethlem myopathy 1; MYOPATHY, BENIGN CONGENITAL, WITH CONTRACTURES; Bethlem Muscular Dystrophy. Identifiers: Orphanet 610, MedGen CN029274, MONDO:0024530, OMIM 158810.

Submissions (2):

Ambry Genetics
Classification: Uncertain significance for Inborn genetic diseases. Last evaluated: 2026-05-27. Review status: criteria provided, single submitter. Criteria: Ambry Variant Classification Scheme 2023. Collection method: clinical testing. Allele origin: germline.

Labcorp Genetics (formerly Invitae), Labcorp
Classification: Uncertain significance for Bethlem myopathy 1A. Last evaluated: 2023-10-06. Review status: criteria provided, single submitter. Criteria: Invitae Variant Classification Sherloc (09022015). Collection method: clinical testing. Allele origin: germline.
Comment: This sequence change replaces glutamic acid, which is acidic and polar, with aspartic acid, which is acidic and polar, at codon 253 of the COL6A2 protein (p.Glu253Asp). This variant is not present in population databases (gnomAD no frequency). This variant has not been reported in the literature in individuals affected with COL6A2-related conditions. Advanced modeling of protein sequence and biophysical properties (such as structural, functional, and spatial information, amino acid conservation, physicochemical variation, residue mobility, and thermodynamic stability) performed at Invitae indicates that this missense variant is not expected to disrupt COL6A2 protein function. In summary, the available evidence is currently insufficient to determine the role of this variant in disease. Therefore, it has been classified as a Variant of Uncertain Significance.